The following is an entry in ClinVar:

ClinVar aggregate classification (germline): Uncertain significance (1 of 4 stars; one submission).

Allele frequency attached by ClinVar (database versions not stated): TOPMed 0.00001.

Submission:

Labcorp Genetics (formerly Invitae), Labcorp
Classification: Uncertain significance. Last evaluated: 2022-07-12. Review status: criteria provided, single submitter. Criteria: Invitae Variant Classification Sherloc (09022015). Collection method: clinical testing. Allele origin: germline.
Comment: In summary, the available evidence is currently insufficient to determine the role of this variant in disease. Therefore, it has been classified as a Variant of Uncertain Significance. Algorithms developed to predict the effect of missense changes on protein structure and function are either unavailable or do not agree on the potential impact of this missense change (SIFT: "Deleterious"; PolyPhen-2: "Probably Damaging"; Align-GVGD: "Class C0"). ClinVar contains an entry for this variant (Variation ID: 1366368). This variant has not been reported in the literature in individuals affected with PCARE-related conditions. This variant is not present in population databases (gnomAD no frequency). This sequence change replaces leucine, which is neutral and non-polar, with isoleucine, which is neutral and non-polar, at codon 830 of the PCARE protein (p.Leu830Ile).

NM_001029883.3(PCARE):c.2488C>A (p.Leu830Ile)

Gene: PCARE (photoreceptor cilium actin regulator; minus strand). Cytogenetic location: 2p23.2.
Variant type: single nucleotide variant.
Coding change: c.2488C>A on transcript NM_001029883.3 (MANE Select); coding-DNA position 2488, C replaced by A.
Protein change: p.Leu830Ile; replaces leucine 830 with isoleucine.
Molecular consequence: missense variant.
Genome position (GRCh38, 1-based): chr2:29,071,774, G>T on the plus strand (C>A on the coding strand, the complement: PCARE is on the minus strand). VCF-style: chr2-29071774-G-T. GRCh37 (hg19) VCF-style: chr2-29294640-G-T.
Other names: short protein forms L830I.
Identifiers: ClinVar variation 1366368 (VCV001366368.8), dbSNP rs1667490714, ClinGen allele CA346477421.
Genomic context (GRCh38, chr2:29,071,774, plus strand): 5'-CTGGGGACTCCAGAGAAGCGAATGATTTGTCCATCAGAACTTCCATAGGCGGTGGAGGGA[G>T]GTGCTCGAGGTTCCCCTCCATTTCACAGCTGAGCTCCTCACTCTTGGCTGCTTCTGCTTT-3'
Protein context (NP_001025054.1, residues 820-840): SCEMEGNLEH[Leu830Ile]PPPPMEVLMD